The following is an entry in ClinVar:

NM_001267550.2(TTN):c.78956T>C (p.Ile26319Thr)

Genes: TTN (titin; minus strand), TTN-AS1 (TTN antisense RNA 1; plus strand). Cytogenetic location: 2q31.2.
Variant type: single nucleotide variant.
Coding change: c.78956T>C on transcript NM_001267550.2 (MANE Select); coding-DNA position 78956, T replaced by C.
Protein change: p.Ile26319Thr; replaces isoleucine 26319 with threonine.
Molecular consequence: missense variant.
Genome position (GRCh38, 1-based): chr2:178,567,176, A>G on the plus strand (T>C on the coding strand, the complement: TTN is on the minus strand). VCF-style: chr2-178567176-A-G. GRCh37 (hg19) VCF-style: chr2-179431903-A-G.
Other names: c.74033T>C, p.Ile24678Thr (NM_001256850.1); c.51761T>C, p.Ile17254Thr (NM_003319.4); c.71252T>C, p.Ile23751Thr (NM_133378.4); c.52136T>C, p.Ile17379Thr (NM_133432.3); c.52337T>C, p.Ile17446Thr (NM_133437.4); short protein forms I17446T, I24678T, I17254T, I17379T, I23751T, I26319T.
Identifiers: ClinVar variation 5003196 (VCV005003196.1).

ClinVar aggregate classification (germline): Uncertain significance (1 of 4 stars; one submission).

Conditions:
Tibial muscular dystrophy (TMD). Also called: UDD MYOPATHY; Tibial muscular dystrophy, tardive; Udd Distal Myopathy – Tibial Muscular Dystrophy. Identifiers: Orphanet 609, MedGen C1838244, MONDO:0010870, OMIM 600334.

gnomAD v4.1: 3 of 1,613,370 alleles (0.00019%); highest among the groups gnomAD compares: Admixed American, 0.005%; no homozygotes.

Submission:

OLLIN Analises Genomicas, OLLIN
Classification: Uncertain significance for Tibial muscular dystrophy. Last evaluated: 2026-08-06. Review status: criteria provided, single submitter. Criteria: ACMG Guidelines 2015 PMID 25741868. Collection method: clinical testing. Allele origin: germline. Inheritance: Autosomal dominant inheritance.
Comment: This missense variant, located in exon 326 (of 363), has been observed in gnomAD with an allele frequency of 0.00019%, but has not been reported in ClinVar or identified in the literature. In silico analysis is inconclusive regarding the impact of this variant. According to the currently available evidence, this variant has been classified as uncertain significance (PM2_P).